The following is an entry in ClinVar:

ClinVar aggregate classification (germline): Uncertain significance. Review status: criteria provided, multiple submitters, no conflicts (2 of 4 stars). 3 submissions from 3 submitters: Uncertain significance (3). Last evaluated 2025-10-27.

Conditions:
Inborn genetic diseases. Identifiers: MedGen C0950123, MeSH D030342.

Allele frequency attached by ClinVar (database versions not stated): gnomAD 0.00002; gnomAD exomes 0.00005; TOPMed 0.00008; ExAC 0.00009.

Submissions (3):

Labcorp Genetics (formerly Invitae), Labcorp
Classification: Uncertain significance. Last evaluated: 2025-10-27. Review status: criteria provided, single submitter. Criteria: Invitae Variant Classification Sherloc (09022015). Collection method: clinical testing. Allele origin: germline.
Comment: This sequence change replaces glycine, which is neutral and non-polar, with serine, which is neutral and polar, at codon 79 of the GDF5 protein (p.Gly79Ser). This variant is present in population databases (rs749564274, gnomAD 0.07%). This variant has not been reported in the literature in individuals affected with GDF5-related conditions. ClinVar contains an entry for this variant (Variation ID: 2183171). An algorithm developed to predict the effect of missense changes on protein structure and function outputs the following: PolyPhen-2: "Benign". The serine amino acid residue is found in multiple mammalian species, which suggests that this missense change does not adversely affect protein function. In summary, the available evidence is currently insufficient to determine the role of this variant in disease. Therefore, it has been classified as a Variant of Uncertain Significance.

Ambry Genetics
Classification: Uncertain significance for Inborn genetic diseases. Last evaluated: 2022-11-18. Review status: criteria provided, single submitter. Criteria: Ambry Variant Classification Scheme 2023. Collection method: clinical testing. Allele origin: germline.

CeGaT Center for Human Genetics Tuebingen
Classification: Uncertain significance. Last evaluated: 2022-07-01. Review status: criteria provided, single submitter. Criteria: CeGaT Center For Human Genetics Tuebingen Variant Classification Criteria Version 2. Collection method: clinical testing. Allele origin: germline. Affected: yes. Observed: 1 variant allele.
Comment: GDF5: PM2, PM3:Supporting, BP4

NM_000557.5(GDF5):c.235G>A (p.Gly79Ser)

Gene: GDF5 (growth differentiation factor 5; minus strand). Cytogenetic location: 20q11.22.
Variant type: single nucleotide variant.
Coding change: c.235G>A on transcript NM_000557.5 (MANE Select); coding-DNA position 235, G replaced by A.
Protein change: p.Gly79Ser; replaces glycine 79 with serine.
Molecular consequence: missense variant.
Genome position (GRCh38, 1-based): chr20:35,437,694, C>T on the plus strand (G>A on the coding strand, the complement: GDF5 is on the minus strand). VCF-style: chr20-35437694-C-T. GRCh37 (hg19) VCF-style: chr20-34025474-C-T.
Other names: c.235G>A, p.Gly79Ser (NM_001319138.2); c.235G>A (NM_000557.2); short protein forms G79S.
Identifiers: ClinVar variation 2183171 (VCV002183171.27), dbSNP rs749564274, ClinGen allele CA9832393.